The following is an entry in ClinVar:

ClinVar aggregate classification (germline): Benign. Review status: criteria provided, multiple submitters, no conflicts (2 of 4 stars). 6 submissions from 5 submitters: Benign (5). 1 of the submissions does not count toward it. Last evaluated 2024-07-15.

Conditions:
Autosomal recessive spastic paraplegia type 78. Identifiers: Orphanet 513436, MedGen C5567893, MONDO:0014975, OMIM 617225.
Kufor-Rakeb syndrome (KRS). Also called: PARKINSON DISEASE 9, AUTOSOMAL RECESSIVE, JUVENILE-ONSET. Identifiers: Orphanet 306674, Orphanet 314632, MedGen C1847640, MONDO:0011706, OMIM 606693.

Allele frequency attached by ClinVar (database versions not stated): 1000 Genomes Project 0.34685; 1000 Genomes Project 30x 0.35275; TOPMed 0.40651; gnomAD 0.41484 and 0.41680; ESP Exome Variant Server 0.42318; gnomAD exomes 0.47056 and 0.50573; ExAC 0.49582.
gnomAD v4.1: 787,640 of 1,587,734 alleles (50%); highest among the groups gnomAD compares: Non-Finnish European, 53%; 200,655 homozygotes.

Submissions (6):

Unidad de Genómica Garrahan, Hospital de Pediatría Garrahan
Classification: Benign. Last evaluated: 2024-07-15. Review status: criteria provided, single submitter. Criteria: ACMG Guidelines, 2015. Collection method: clinical testing. Allele origin: germline. Affected: no. Observed: 64 variant alleles.
Comment: This variant is classified as Benign based on local population frequency. This variant was detected in 69% of patients studied in a panel designed for Epileptic and Developmental Encephalopathy and Progressive Myoclonus Epilepsy. Number of patients: 64. Only high quality variants are reported.

Genome-Nilou Lab
Classification: Benign for Kufor-Rakeb syndrome. Last evaluated: 2021-07-14. Review status: criteria provided, single submitter. Criteria: ACMG Guidelines, 2015. Collection method: clinical testing. Allele origin: germline. Affected: no.

Genome-Nilou Lab
Classification: Benign for Autosomal recessive spastic paraplegia type 78. Last evaluated: 2021-07-14. Review status: criteria provided, single submitter. Criteria: ACMG Guidelines, 2015. Collection method: clinical testing. Allele origin: germline. Affected: no.

GeneDx
Classification: Benign. Last evaluated: 2018-07-06. Review status: criteria provided, single submitter. Criteria: GeneDx Variant Classification Process June 2021. Collection method: clinical testing. Allele origin: germline. Affected: yes.

Breakthrough Genomics
Classification: Benign. Review status: criteria provided, single submitter. Criteria: ACMG Guidelines, 2015. Collection method: not provided. Allele origin: germline. Inheritance: Autosomal recessive inheritance. Affected: yes.

Mayo Clinic Laboratories, Mayo Clinic
Classification: Benign. Last evaluated: 2015-10-19. Review status: no assertion criteria provided. Collection method: clinical testing. Allele origin: unknown. Not counted in ClinVar's aggregate classification.

NM_022089.4(ATP13A2):c.3236-30C>T

Gene: ATP13A2 (ATPase cation transporting 13A2; minus strand). Cytogenetic location: 1p36.13.
Variant type: single nucleotide variant.
Coding change: c.3236-30C>T on transcript NM_022089.4 (MANE Select); 30 bases into the intron before coding-DNA position 3236, C replaced by T.
Molecular consequence: intron variant.
Genome position (GRCh38, 1-based): chr1:16,986,662, G>A on the plus strand (C>T on the coding strand, the complement: ATP13A2 is on the minus strand). VCF-style: chr1-16986662-G-A. GRCh37 (hg19) VCF-style: chr1-17313157-G-A.
Other names: c.3103+143C>T (NM_001141974.3); c.3221-30C>T (NM_001141973.3).
Identifiers: ClinVar variation 559000 (VCV000559000.13), dbSNP rs2076605, ClinGen allele CA636543.